The following is an entry in ClinVar:

NM_001130144.3(LTBP3):c.3438C>T (p.Gly1146=)

Gene: LTBP3 (latent transforming growth factor beta binding protein 3; minus strand). Cytogenetic location: 11q13.1.
Variant type: single nucleotide variant.
Coding change: c.3438C>T on transcript NM_001130144.3 (MANE Select); coding-DNA position 3438, C replaced by T.
Protein change: p.Gly1146=; no amino-acid change (glycine 1146 retained).
Molecular consequence: synonymous variant.
Genome position (GRCh38, 1-based): chr11:65,539,829, G>A on the plus strand (C>T on the coding strand, the complement: LTBP3 is on the minus strand). VCF-style: chr11-65539829-G-A. GRCh37 (hg19) VCF-style: chr11-65307300-G-A.
Other names: c.2946C>T, p.Gly982= (NM_001164266.1); c.3297C>T, p.Gly1099= (NM_021070.4); c.3438C>T (NM_001130144.2).
Identifiers: ClinVar variation 1350463 (VCV001350463.7), dbSNP rs766787396, ClinGen allele CA6100284.

ClinVar aggregate classification (germline): Uncertain significance (1 of 4 stars; one submission).

Conditions:
Geleophysic dysplasia 3. Identifiers: MedGen C4540511, MONDO:0054722, OMIM 617809.
Brachyolmia-amelogenesis imperfecta syndrome. Also called: Tooth agenesis, selective, 6; Dental anomalies and short stature; PLATYSPONDYLY WITH AMELOGENESIS IMPERFECTA. Identifiers: Orphanet 2899, MedGen C1832594, MONDO:0011018, OMIM 601216. Disease mechanism: loss of function.

Allele frequency attached by ClinVar (database versions not stated): gnomAD exomes 0.00006 and 0.00018; ExAC 0.00009; gnomAD 0.00011 and 0.00012; TOPMed 0.00012.
gnomAD v4.1: 258 of 1,528,298 alleles (0.017%); highest among the groups gnomAD compares: Non-Finnish European, 0.021%; no homozygotes.

Submission:

Labcorp Genetics (formerly Invitae), Labcorp
Classification: Uncertain significance for Brachyolmia-amelogenesis imperfecta syndrome. Last evaluated: 2026-01-19. Review status: criteria provided, single submitter. Criteria: Invitae Variant Classification Sherloc (09022015). Collection method: clinical testing. Allele origin: germline.
Comment: This sequence change affects codon 1146 of the LTBP3 mRNA. It is a 'silent' change, meaning that it does not change the encoded amino acid sequence of the LTBP3 protein. This variant is present in population databases (rs766787396, gnomAD 0.01%). This variant has not been reported in the literature in individuals affected with LTBP3-related conditions. ClinVar contains an entry for this variant (Variation ID: 1350463). Algorithms developed to predict the effect of sequence changes on RNA splicing suggest that this variant may create or strengthen a splice site. In summary, the available evidence is currently insufficient to determine the role of this variant in disease. Therefore, it has been classified as a Variant of Uncertain Significance.